The following is an entry in ClinVar:

NC_000023.10:g.(?_31496203)_(31838220_?)dup

Gene: DMD (dystrophin; minus strand). Cytogenetic location: Xp21.2-21.1.
Variant type: Duplication.
Identifiers: ClinVar variation 2424981 (VCV002424981.5).

ClinVar aggregate classification (germline): Likely pathogenic (1 of 4 stars; one submission).

Conditions:
Duchenne muscular dystrophy (DMD). Also called: Duchenne Muscular Dystrophy (DMD); MUSCULAR DYSTROPHY, PSEUDOHYPERTROPHIC PROGRESSIVE, DUCHENNE TYPE. Identifiers: Orphanet 98896, MedGen C0013264, MONDO:0010679, OMIM 310200.

Submission:

Labcorp Genetics (formerly Invitae), Labcorp
Classification: Likely pathogenic for Duchenne muscular dystrophy. Last evaluated: 2023-05-22. Review status: criteria provided, single submitter. Criteria: Invitae Variant Classification Sherloc (09022015). Collection method: clinical testing. Allele origin: germline.
Comment: In summary, the currently available evidence indicates that the variant is pathogenic, but additional data are needed to prove that conclusively. Therefore, this variant has been classified as Likely Pathogenic. A similar copy number variant has been observed in individuals with DMD-related dystrophinopathies (PMID: 8034300, 16030524; Invitae). This variant results in a copy number gain of the genomic region encompassing exon(s) 50-59 of the DMD gene. While the exact position of this variant cannot be determined from the data, sub-genic copy number gains are generally in tandem (PMID: 25640679). This variant is predicted to be in-frame, and likely preserves the integrity of the reading frame.

Literature cited by the submitters: PubMed 8034300; PubMed 16030524; PubMed 25640679.